The following is an entry in ClinVar:

ClinVar aggregate classification (germline): Uncertain significance. Review status: criteria provided, multiple submitters, no conflicts (2 of 4 stars). 2 submissions from 2 submitters: Uncertain significance (2). Last evaluated 2025-03-30.

Conditions:
Gorlin syndrome. Also called: Basal cell nevus syndrome; Nevoid Basal Cell Carcinoma Syndrome. Identifiers: Orphanet 377, MedGen C0004779, MONDO:0007187.

gnomAD v4.1: 17 of 1,610,896 alleles (0.0011%); highest among the groups gnomAD compares: East Asian, 0.0089%; no homozygotes.

Submissions (2):

Labcorp Genetics (formerly Invitae), Labcorp
Classification: Uncertain significance for Gorlin syndrome. Last evaluated: 2025-03-30. Review status: criteria provided, single submitter. Criteria: Invitae Variant Classification Sherloc (09022015). Collection method: clinical testing. Allele origin: germline.
Comment: This sequence change replaces proline, which is neutral and non-polar, with leucine, which is neutral and non-polar, at codon 209 of the PTCH2 protein (p.Pro209Leu). This variant is present in population databases (rs372348401, gnomAD 0.01%). This variant has not been reported in the literature in individuals affected with PTCH2-related conditions. ClinVar contains an entry for this variant (Variation ID: 1354511). Invitae Evidence Modeling of protein sequence and biophysical properties (such as structural, functional, and spatial information, amino acid conservation, physicochemical variation, residue mobility, and thermodynamic stability) indicates that this missense variant is not expected to disrupt PTCH2 protein function with a negative predictive value of 80%. In summary, the available evidence is currently insufficient to determine the role of this variant in disease. Therefore, it has been classified as a Variant of Uncertain Significance.

Ambry Genetics
Classification: Uncertain significance. Last evaluated: 2023-12-13. Review status: criteria provided, single submitter. Criteria: Ambry Variant Classification Scheme 2023. Collection method: clinical testing. Allele origin: germline.

NM_003738.5(PTCH2):c.626C>T (p.Pro209Leu)

Gene: PTCH2 (patched 2; minus strand). Cytogenetic location: 1p34.1.
Variant type: single nucleotide variant.
Coding change: c.626C>T on transcript NM_003738.5 (MANE Select); coding-DNA position 626, C replaced by T.
Protein change: p.Pro209Leu; replaces proline 209 with leucine.
Molecular consequence: missense variant.
Genome position (GRCh38, 1-based): chr1:44,831,035, G>A on the plus strand (C>T on the coding strand, the complement: PTCH2 is on the minus strand). VCF-style: chr1-44831035-G-A. GRCh37 (hg19) VCF-style: chr1-45296707-G-A.
Other names: c.626C>T (NM_003738.4); c.626C>T, p.Pro209Leu (NM_001166292.2); short protein forms P209L.
Identifiers: ClinVar variation 1354511 (VCV001354511.7), dbSNP rs372348401, ClinGen allele CA823558.
Genomic context (GRCh38, chr1:44,831,035, plus strand): 5'-GCAAAGGGACCCAGCTCCTCCAGCAGCTGCTCTGGATCCAGGTTGGTCCACTGGATATCC[G>A]GGCGGCCGCTGAGGGAAAAGCCTATAGTTGGTGAGGGTCAGGGACGAAAACCCAGGCTCC-3'
Protein context (NP_003729.3, residues 199-219): QGGSAYLPGR[Pro209Leu]DIQWTNLDPE